The following is an entry in ClinVar:

NM_001271.4(CHD2):c.3410G>A (p.Arg1137Gln)

Gene: CHD2 (chromodomain helicase DNA binding protein 2; plus strand). Cytogenetic location: 15q26.1.
Variant type: single nucleotide variant.
Coding change: c.3410G>A on transcript NM_001271.4 (MANE Select); coding-DNA position 3410, G replaced by A.
Protein change: p.Arg1137Gln; replaces arginine 1137 with glutamine.
Molecular consequence: missense variant.
Genome position (GRCh38, 1-based): chr15:92,985,670, G>A. VCF-style: chr15-92985670-G-A. GRCh37 (hg19) VCF-style: chr15-93528900-G-A.
Other names: short protein forms R1137Q.
Identifiers: ClinVar variation 3384608 (VCV003384608.1).

ClinVar aggregate classification (germline): Uncertain significance (1 of 4 stars; one submission).

Submission:

GeneDx
Classification: Uncertain significance. Last evaluated: 2024-06-09. Review status: criteria provided, single submitter. Criteria: GeneDx Variant Classification Process June 2021. Collection method: clinical testing. Allele origin: germline. Affected: yes.
Comment: Not observed at significant frequency in large population cohorts (gnomAD); In silico analysis supports that this missense variant has a deleterious effect on protein structure/function; Has not been previously published as pathogenic or benign to our knowledge